The following is an entry in ClinVar:

NM_004006.3(DMD):c.1763C>G (p.Thr588Ser)

Gene: DMD (dystrophin; minus strand). Cytogenetic location: Xp21.1.
Variant type: single nucleotide variant.
Coding change: c.1763C>G on transcript NM_004006.3 (MANE Select); coding-DNA position 1763, C replaced by G.
Protein change: p.Thr588Ser; replaces threonine 588 with serine.
Molecular consequence: missense variant.
Genome position (GRCh38, 1-based): chrX:32,573,579, G>C on the plus strand (C>G on the coding strand, the complement: DMD is on the minus strand). VCF-style: chrX-32573579-G-C. GRCh37 (hg19) VCF-style: chrX-32591696-G-C.
Other names: c.1739C>G, p.Thr580Ser (NM_000109.4); c.1751C>G, p.Thr584Ser (NM_004009.3); c.1394C>G, p.Thr465Ser (NM_004010.3); short protein forms T465S, T580S, T584S, T588S.
Identifiers: ClinVar variation 4800983 (VCV004800983.1).

ClinVar aggregate classification (germline): Uncertain significance (1 of 4 stars; one submission).

Conditions:
Duchenne muscular dystrophy (DMD). Also called: Duchenne Muscular Dystrophy (DMD); MUSCULAR DYSTROPHY, PSEUDOHYPERTROPHIC PROGRESSIVE, DUCHENNE TYPE. Identifiers: Orphanet 98896, MedGen C0013264, MONDO:0010679, OMIM 310200.

Submission:

Labcorp Genetics (formerly Invitae), Labcorp
Classification: Uncertain significance for Duchenne muscular dystrophy. Last evaluated: 2026-01-27. Review status: criteria provided, single submitter. Criteria: Invitae Variant Classification Sherloc (09022015). Collection method: clinical testing. Allele origin: germline.
Comment: This sequence change replaces threonine, which is neutral and polar, with serine, which is neutral and polar, at codon 588 of the DMD protein (p.Thr588Ser). This variant is not present in population databases (gnomAD no frequency). This variant has not been reported in the literature in individuals affected with DMD-related conditions. Invitae Evidence Modeling of protein sequence and biophysical properties (such as structural, functional, and spatial information, amino acid conservation, physicochemical variation, residue mobility, and thermodynamic stability) indicates that this missense variant is not expected to disrupt DMD protein function with a negative predictive value of 95%. In summary, the available evidence is currently insufficient to determine the role of this variant in disease. Therefore, it has been classified as a Variant of Uncertain Significance.